The following is an entry in ClinVar:

ClinVar aggregate classification (germline): Uncertain significance (1 of 4 stars; one submission).

Conditions:
Candidiasis, familial, 9 (CANDF9). Identifiers: Orphanet 1334, MedGen C4225324, MONDO:0014642, OMIM 616445.

Allele frequency attached by ClinVar (database versions not stated): gnomAD exomes below 0.00001; TOPMed below 0.00001.
gnomAD v4.1: 1 of 1,606,590 alleles (0.000062%); highest among the groups gnomAD compares: Admixed American, 0.0017%; no homozygotes.

Submission:

Labcorp Genetics (formerly Invitae), Labcorp
Classification: Uncertain significance for Candidiasis, familial, 9. Last evaluated: 2023-09-05. Review status: criteria provided, single submitter. Criteria: Invitae Variant Classification Sherloc (09022015). Collection method: clinical testing. Allele origin: germline.
Comment: In summary, the available evidence is currently insufficient to determine the role of this variant in disease. Therefore, it has been classified as a Variant of Uncertain Significance. Experimental studies and prediction algorithms are not available or were not evaluated, and the functional significance of this variant is currently unknown. ClinVar contains an entry for this variant (Variation ID: 1410773). This variant has not been reported in the literature in individuals affected with IL17RC-related conditions. This variant is not present in population databases (gnomAD no frequency). This sequence change replaces proline, which is neutral and non-polar, with arginine, which is basic and polar, at codon 775 of the IL17RC protein (p.Pro775Arg).

NM_153460.4(IL17RC):c.2111C>G (p.Pro704Arg)

Genes: IL17RC (interleukin 17 receptor C; plus strand), LOC129936144 (ATAC-STARR-seq lymphoblastoid silent region 14051; plus strand). Cytogenetic location: 3p25.3.
Variant type: single nucleotide variant.
Coding change: c.2111C>G on transcript NM_153460.4 (MANE Select); coding-DNA position 2111, C replaced by G.
Protein change: p.Pro704Arg; replaces proline 704 with arginine.
Molecular consequence: missense variant. On other transcripts: non-coding transcript variant (1).
Genome position (GRCh38, 1-based): chr3:9,933,541, C>G. VCF-style: chr3-9933541-C-G. GRCh37 (hg19) VCF-style: chr3-9975225-C-G.
Other names: c.2072C>G, p.Pro691Arg (NM_001203263.2); c.2021C>G, p.Pro674Arg (NM_001203264.2); c.2015C>G, p.Pro672Arg (NM_001203265.2); c.2033C>G, p.Pro678Arg (NM_001367278.1); c.1952C>G, p.Pro651Arg (NM_001367279.1); c.2027C>G, p.Pro676Arg (NM_001367280.1); c.2066C>G, p.Pro689Arg (NM_032732.6); c.2324C>G, p.Pro775Arg (NM_153461.4); short protein forms P678R, P672R, P674R, P676R, P691R, P704R, P651R, P689R.
Identifiers: ClinVar variation 1410773 (VCV001410773.8), dbSNP rs1458109447, ClinGen allele CA351709778.
Genomic context (GRCh38, chr3:9,933,541, plus strand): 5'-TGTCCCGGGCCCTTCAGCCAGCCCTGGATAGCTACTTCCATCCCCCGGGGACTCCCGCGC[C>G]GGGACGCGGGGTGGGACCAGGCGCGGGACCTGGGGCGGGGGACGGGACTTAAATAAAGGC-3'
Protein context (NP_703190.2, residues 694-714): SYFHPPGTPA[Pro704Arg]GRGVGPGAGP